The following is an entry in ClinVar:

ClinVar aggregate classification (germline): Uncertain significance (1 of 4 stars; one submission).

gnomAD v4.1: 2 of 1,612,560 alleles (0.00012%); highest among the groups gnomAD compares: Admixed American, 0.0033%; no homozygotes.

Submission:

Labcorp Genetics (formerly Invitae), Labcorp
Classification: Uncertain significance. Last evaluated: 2025-12-10. Review status: criteria provided, single submitter. Criteria: Invitae Variant Classification Sherloc (09022015). Collection method: clinical testing. Allele origin: germline.
Comment: This sequence change falls in intron 32 of the COL4A3 gene. It does not directly change the encoded amino acid sequence of the COL4A3 protein. It affects a nucleotide within the consensus splice site. This variant is not present in population databases (gnomAD no frequency). This variant has not been reported in the literature in individuals affected with COL4A3-related conditions. Variants that disrupt the consensus splice site are a relatively common cause of aberrant splicing (PMID: 17576681, 9536098). Algorithms developed to predict the effect of sequence changes on RNA splicing suggest that this variant is not likely to affect RNA splicing. In summary, the available evidence is currently insufficient to determine the role of this variant in disease. Therefore, it has been classified as a Variant of Uncertain Significance.

Literature cited by the submitters: PubMed 17576681; PubMed 9536098.

NM_000091.5(COL4A3):c.2656+6C>T

Genes: COL4A3 (collagen type IV alpha 3 chain; plus strand), MFF-DT (MFF divergent transcript; minus strand). Cytogenetic location: 2q36.3.
Variant type: single nucleotide variant.
Coding change: c.2656+6C>T on transcript NM_000091.5 (MANE Select); 6 bases into the intron after coding-DNA position 2656, C replaced by T.
Molecular consequence: intron variant.
Genome position (GRCh38, 1-based): chr2:227,282,538, C>T. VCF-style: chr2-227282538-C-T. GRCh37 (hg19) VCF-style: chr2-228147254-C-T.
Identifiers: ClinVar variation 4690445 (VCV004690445.1).